The following is an entry in ClinVar:

ClinVar aggregate classification (germline): Pathogenic (1 of 4 stars; one submission).

Conditions:
Pan-Chung-Bellen syndrome. Identifiers: MedGen C5975547, MONDO:0975953, OMIM 621049.

Submission:

Institute of Human Genetics, University of Leipzig Medical Center
Classification: Pathogenic for Pan-Chung-Bellen syndrome. Last evaluated: 2026-03-09. Review status: criteria provided, single submitter. Criteria: ACMG Guidelines, 2015. Collection method: clinical testing. Allele origin: unknown. Inheritance: Autosomal dominant inheritance. Affected: yes.
Comment: Criteria applied: PVS1,PM2

NM_015030.2(FRYL):c.2147del (p.Leu716fs)

Gene: FRYL (FRY like transcription coactivator; minus strand). Cytogenetic location: 4p11.
Variant type: Deletion.
Coding change: c.2147del on transcript NM_015030.2 (MANE Select); coding-DNA position 2147, one base deleted (T; older notation c.2147delT).
Protein change: p.Leu716fs; shifts the reading frame from leucine 716.
Molecular consequence: frameshift variant.
Genome position (GRCh38, 1-based): chr4:48,581,445, A deleted on the plus strand (T on the coding strand, the reverse complement: FRYL is on the minus strand); the first of 3 consecutive A bases (chr4:48,581,445-48,581,447); deleting any one gives the same sequence. VCF-style (leftmost placement, unchanged base first): chr4-48581444-TA-T. GRCh37 (hg19) VCF-style: chr4-48583461-TA-T.
Other names: short protein forms L716fs.
Identifiers: ClinVar variation 4845399 (VCV004845399.1).